The following is an entry in ClinVar:

NM_152703.5(SAMD9L):c.3009C>A (p.Ser1003Arg)

Gene: SAMD9L (sterile alpha motif domain containing 9 like; minus strand). Cytogenetic location: 7q21.2.
Variant type: single nucleotide variant.
Coding change: c.3009C>A on transcript NM_152703.5 (MANE Select); coding-DNA position 3009, C replaced by A.
Protein change: p.Ser1003Arg; replaces serine 1003 with arginine.
Molecular consequence: missense variant.
Genome position (GRCh38, 1-based): chr7:93,132,963, G>T on the plus strand (C>A on the coding strand, the complement: SAMD9L is on the minus strand). VCF-style: chr7-93132963-G-T. GRCh37 (hg19) VCF-style: chr7-92762276-G-T.
Other names: c.3009C>A, p.Ser1003Arg (NM_001303496.3, NM_001303497.3, NM_001303498.3 and 5 more transcripts); short protein forms S1003R.
Identifiers: ClinVar variation 3949906 (VCV003949906.1).

ClinVar aggregate classification (germline): Uncertain significance (1 of 4 stars; one submission).

Conditions:
Inborn genetic diseases. Identifiers: MedGen C0950123, MeSH D030342.

Submission:

Ambry Genetics
Classification: Uncertain significance for Inborn genetic diseases. Last evaluated: 2025-05-08. Review status: criteria provided, single submitter. Criteria: Ambry Variant Classification Scheme 2023. Collection method: clinical testing. Allele origin: germline.
Comment: The p.S1003R variant (also known as c.3009C>A), located in coding exon 1 of the SAMD9L gene, results from a C to A substitution at nucleotide position 3009. The serine at codon 1003 is replaced by arginine, an amino acid with dissimilar properties. This amino acid position is conserved. In addition, this alteration is predicted to be tolerated by in silico analysis. Based on the available evidence, the clinical significance of this variant remains unclear.